The following is an entry in ClinVar:

NM_001145026.2(PTPRQ):c.2631del (p.Leu879fs)

Gene: PTPRQ (protein tyrosine phosphatase receptor type Q; plus strand). Cytogenetic location: 12q21.31.
Variant type: Deletion.
Coding change: c.2631del on transcript NM_001145026.2 (MANE Select); coding-DNA position 2631, one base deleted (A; older notation c.2631delA).
Protein change: p.Leu879fs; shifts the reading frame from leucine 879.
Molecular consequence: frameshift variant.
Genome position (GRCh38, 1-based): chr12:80,510,396, A deleted. VCF-style (leftmost placement, unchanged base first): chr12-80510395-CA-C. GRCh37 (hg19) VCF-style: chr12-80904174-CA-C.
Other names: short protein forms L879fs.
Identifiers: ClinVar variation 5005182 (VCV005005182.2).

ClinVar aggregate classification (germline): Likely pathogenic (1 of 4 stars; one submission).

Conditions:
Autosomal recessive nonsyndromic hearing loss 84A. Also called: DEAFNESS, AUTOSOMAL RECESSIVE 84A; DEAFNESS, AUTOSOMAL RECESSIVE 84A, WITH VESTIBULAR DYSFUNCTION. Identifiers: Orphanet 90636, MedGen C3150654, MONDO:0013249, OMIM 613391.

Submission:

Juno Genomics, Hangzhou Juno Genomics, Inc
Classification: Likely pathogenic for Autosomal recessive nonsyndromic hearing loss 84A. Review status: criteria provided, single submitter. Criteria: ACMG Guidelines, 2015. Collection method: clinical testing. Allele origin: germline.
Comment: Null variant in a gene where loss of function (LOF) is a known mechanism of disease.;Absent from controls (or at extremely low frequency if recessive) in Genome Aggregation Database.